The following is an entry in ClinVar:

ClinVar aggregate classification (germline): Uncertain significance (1 of 4 stars; one submission).

Conditions:
TSPAN12-related disorder. Also called: TSPAN12-related condition.

Submission:

PreventionGenetics, part of Exact Sciences
Classification: Uncertain significance for TSPAN12-related condition. Last evaluated: 2025-04-29. Review status: criteria provided, single submitter. Criteria: ACMG Guidelines, 2015. Collection method: clinical testing. Allele origin: germline.
Comment: The TSPAN12 c.59T>C variant is predicted to result in the amino acid substitution p.Leu20Pro. To our knowledge, this variant has not been reported in the literature or in a large population database (gnomAD), indicating this variant is rare. At this time, the clinical significance of this variant is uncertain due to the absence of conclusive functional and genetic evidence.

NM_012338.4(TSPAN12):c.59T>C (p.Leu20Pro)

Gene: TSPAN12 (tetraspanin 12; minus strand). Cytogenetic location: 7q31.31.
Variant type: single nucleotide variant.
Coding change: c.59T>C on transcript NM_012338.4 (MANE Select); coding-DNA position 59, T replaced by C.
Protein change: p.Leu20Pro; replaces leucine 20 with proline.
Molecular consequence: missense variant.
Genome position (GRCh38, 1-based): chr7:120,856,705, A>G on the plus strand (T>C on the coding strand, the complement: TSPAN12 is on the minus strand). VCF-style: chr7-120856705-A-G. GRCh37 (hg19) VCF-style: chr7-120496759-A-G.
Other names: short protein forms L20P.
Identifiers: ClinVar variation 4998264 (VCV004998264.1).